The following is an entry in ClinVar:

NM_002087.4(GRN):c.26C>T (p.Ala9Val)

Gene: GRN (granulin precursor; plus strand). Cytogenetic location: 17q21.31.
Variant type: single nucleotide variant.
Coding change: c.26C>T on transcript NM_002087.4 (MANE Select); coding-DNA position 26, C replaced by T.
Protein change: p.Ala9Val; replaces alanine 9 with valine.
Molecular consequence: missense variant.
Genome position (GRCh38, 1-based): chr17:44,349,190, C>T. VCF-style: chr17-44349190-C-T. GRCh37 (hg19) VCF-style: chr17-42426558-C-T.
Other names: short protein forms A9V.
Identifiers: ClinVar variation 2065662 (VCV002065662.4), dbSNP rs63751243, ClinGen allele CA8601732.

ClinVar aggregate classification (germline): Uncertain significance (1 of 4 stars; one submission).

Conditions:
Neuronal ceroid lipofuscinosis 11. Also called: GRN-Related Neuronal Ceroid-Lipofuscinosis. Identifiers: Orphanet 314629, Orphanet 79262, MedGen C3539123, MONDO:0013866, OMIM 614706.
GRN-related frontotemporal lobar degeneration with Tdp43 inclusions (FTD2). Also called: DEMENTIA, HEREDITARY DYSPHASIC DISINHIBITION; FRONTOTEMPORAL LOBAR DEGENERATION WITH UBIQUITIN-POSITIVE INCLUSIONS; FTLD-TDP, GRN-RELATED; GRN Frontotemporal Dementia; FRONTOTEMPORAL DEMENTIA WITH TDP43 INCLUSIONS, GRN-RELATED. Identifiers: Orphanet 100070, Orphanet 282, MedGen C1843792, MONDO:0011842, OMIM 607485. Disease mechanism: loss of function.

Allele frequency attached by ClinVar (database versions not stated): ExAC 0.00001; gnomAD exomes 0.00001.
gnomAD v4.1: 8 of 1,614,098 alleles (0.0005%); highest among the groups gnomAD compares: African/African-American, 0.0013%; no homozygotes.

Submission:

Labcorp Genetics (formerly Invitae), Labcorp
Classification: Uncertain significance for Neuronal ceroid lipofuscinosis 11; GRN-related frontotemporal lobar degeneration with Tdp43 inclusions. Last evaluated: 2022-07-11. Review status: criteria provided, single submitter. Criteria: Invitae Variant Classification Sherloc (09022015). Collection method: clinical testing. Allele origin: germline.
Comment: Algorithms developed to predict the effect of sequence changes on RNA splicing suggest that this variant may create or strengthen a splice site. Algorithms developed to predict the effect of missense changes on protein structure and function are either unavailable or do not agree on the potential impact of this missense change (SIFT: "Tolerated"; PolyPhen-2: "Possibly Damaging"; Align-GVGD: "Class C0"). This variant has not been reported in the literature in individuals affected with GRN-related conditions. This variant is present in population databases (rs63751243, gnomAD 0.0009%). This sequence change replaces alanine, which is neutral and non-polar, with valine, which is neutral and non-polar, at codon 9 of the GRN protein (p.Ala9Val). This variant disrupts the p.Ala9 amino acid residue in GRN. Other variant(s) that disrupt this residue have been determined to be pathogenic (PMID: 16983685, 17984093, 24494724, 29036611, 31600775). This suggests that this residue is clinically significant, and that variants that disrupt this residue are likely to be disease-causing. In summary, the available evidence is currently insufficient to determine the role of this variant in disease. Therefore, it has been classified as a Variant of Uncertain Significance.

Literature cited by the submitters: PubMed 16983685; PubMed 17984093; PubMed 24494724; PubMed 29036611; PubMed 31600775.